The following is an entry in ClinVar:

ClinVar aggregate classification (germline): Benign. Review status: criteria provided, single submitter (1 of 4 stars). 2 submissions from 2 submitters: Benign (1). 1 of the submissions does not count toward it. Last evaluated 2018-06-14.

Allele frequency attached by ClinVar (database versions not stated): 1000 Genomes Project 0.57428; 1000 Genomes Project 30x 0.57698; TOPMed 0.64265; gnomAD 0.67212 and 0.67232.

Submissions (2):

GeneDx
Classification: Benign. Last evaluated: 2018-06-14. Review status: criteria provided, single submitter. Criteria: GeneDx Variant Classification (06012015). Collection method: clinical testing. Allele origin: germline. Affected: yes.
Comment: This variant is considered likely benign or benign based on one or more of the following criteria: it is a conservative change, it occurs at a poorly conserved position in the protein, it is predicted to be benign by multiple in silico algorithms, and/or has population frequency not consistent with disease.

ANO5 @LOVD
No classification provided. Review status: no classification provided. Collection method: not provided. Allele origin: unknown. Not counted in ClinVar's aggregate classification.

NM_213599.3(ANO5):c.138+206T>C

Gene: ANO5 (anoctamin 5; plus strand). Cytogenetic location: 11p14.3.
Variant type: single nucleotide variant.
Coding change: c.138+206T>C on transcript NM_213599.3 (MANE Select); 206 bases into the intron after coding-DNA position 138, T replaced by C.
Molecular consequence: intron variant.
Genome position (GRCh38, 1-based): chr11:22,211,520, T>C. VCF-style: chr11-22211520-T-C. GRCh37 (hg19) VCF-style: chr11-22233066-T-C.
Other names: c.135+206T>C (NM_001142649.2).
Identifiers: ClinVar variation 140548 (VCV000140548.2), dbSNP rs4922981, ClinGen allele CA232781.